The following is an entry in ClinVar:

ClinVar aggregate classification (germline): Uncertain significance (1 of 4 stars; one submission).

gnomAD v4.1: 1 of 1,614,082 alleles (0.000062%); highest among the groups gnomAD compares: Non-Finnish European, 0.000085%; no homozygotes.

Submission:

Ambry Genetics
Classification: Uncertain significance. Last evaluated: 2024-10-15. Review status: criteria provided, single submitter. Criteria: Ambry Variant Classification Scheme 2023. Collection method: clinical testing. Allele origin: germline.
Comment: The p.D109G variant (also known as c.326A>G), located in coding exon 3 of the SRP72 gene, results from an A to G substitution at nucleotide position 326. The aspartic acid at codon 109 is replaced by glycine, an amino acid with similar properties. This amino acid position is conserved. In addition, this alteration is predicted to be tolerated by in silico analysis. Based on the available evidence, the clinical significance of this variant remains unclear.

NM_006947.4(SRP72):c.326A>G (p.Asp109Gly)

Gene: SRP72 (signal recognition particle 72; plus strand). Cytogenetic location: 4q12.
Variant type: single nucleotide variant.
Coding change: c.326A>G on transcript NM_006947.4 (MANE Select); coding-DNA position 326, A replaced by G.
Protein change: p.Asp109Gly; replaces aspartic acid 109 with glycine.
Molecular consequence: missense variant. On other transcripts: non-coding transcript variant (1).
Genome position (GRCh38, 1-based): chr4:56,471,815, A>G. VCF-style: chr4-56471815-A-G. GRCh37 (hg19) VCF-style: chr4-57337981-A-G.
Other names: c.326A>G, p.Asp109Gly (NM_001267722.2); short protein forms D109G.
Identifiers: ClinVar variation 3449388 (VCV003449388.1).